The following is an entry in ClinVar:

NM_000179.3(MSH6):c.821G>A (p.Ser274Asn)

Gene: MSH6 (mutS homolog 6; plus strand). Cytogenetic location: 2p16.3.
Variant type: single nucleotide variant.
Coding change: c.821G>A on transcript NM_000179.3 (MANE Select); coding-DNA position 821, G replaced by A.
Protein change: p.Ser274Asn; replaces serine 274 with asparagine.
Molecular consequence: missense variant. On other transcripts: 5 prime UTR variant (2).
Genome position (GRCh38, 1-based): chr2:47,798,804, G>A. VCF-style: chr2-47798804-G-A. GRCh37 (hg19) VCF-style: chr2-48025943-G-A.
Other names: p.S274N:AGC>AAC; c.431G>A, p.Ser144Asn (NM_001281492.2); c.-86G>A (NM_001281493.2, NM_001281494.2); short protein forms S274N, S144N.
Identifiers: ClinVar variation 127606 (VCV000127606.26), dbSNP rs587779949, ClinGen allele CA016514.

ClinVar aggregate classification (germline): Conflicting classifications of pathogenicity. Review status: criteria provided, conflicting classifications (1 of 4 stars). 7 submissions from 7 submitters: Uncertain significance (6); Likely benign (1). Last evaluated 2026-01-16.

Conditions:
Hereditary nonpolyposis colorectal neoplasms. Identifiers: MedGen C0009405, MeSH D003123.
Hereditary cancer-predisposing syndrome. Also called: Hereditary Cancer Syndrome; Hereditary neoplastic syndrome; Tumor predisposition; Neoplastic Syndromes, Hereditary. Identifiers: Orphanet 140162, MedGen C0027672, MeSH D009386, MONDO:0015356.
Lynch syndrome. Identifiers: Orphanet 144, MedGen C4552100, MONDO:0005835. Disease mechanism: loss of function.
Endometrial carcinoma. Also called: Endometrial carcinoma, somatic. Identifiers: MedGen C0476089, MONDO:0002447, OMIM 608089, HP:0012114.

Allele frequency attached by ClinVar (database versions not stated): gnomAD 0.00001; gnomAD exomes 0.00001 and 0.00002; TOPMed 0.00001; ExAC 0.00002.

Submissions (7):

Labcorp Genetics (formerly Invitae), Labcorp
Classification: Likely benign for Hereditary nonpolyposis colorectal neoplasms. Last evaluated: 2026-01-16. Review status: criteria provided, single submitter. Criteria: Invitae Variant Classification Sherloc (09022015). Collection method: clinical testing. Allele origin: germline.

Color Diagnostics, LLC DBA Color Health
Classification: Uncertain significance for Hereditary cancer-predisposing syndrome. Last evaluated: 2025-09-05. Review status: criteria provided, single submitter. Criteria: ACMG Guidelines, 2015. Collection method: clinical testing. Allele origin: germline.
Comment: This missense variant replaces serine with asparagine at codon 274 of the MSH6 protein. Computational prediction suggests that this variant may not impact protein structure and function. To our knowledge, functional studies have not been reported for this variant. This variant has not been reported in individuals affected with MSH6-related disorders in the literature. This variant has been identified in 4/251032 chromosomes in the general population by the Genome Aggregation Database (gnomAD). The available evidence is insufficient to determine the role of this variant in disease conclusively. Therefore, this variant is classified as a Variant of Uncertain Significance.

Ambry Genetics
Classification: Uncertain significance for Hereditary cancer-predisposing syndrome. Last evaluated: 2024-10-19. Review status: criteria provided, single submitter. Criteria: Ambry Variant Classification Scheme 2023. Collection method: clinical testing. Allele origin: germline.
Comment: The p.S274N variant (also known as c.821G>A), located in coding exon 4 of the MSH6 gene, results from a G to A substitution at nucleotide position 821. The serine at codon 274 is replaced by asparagine, an amino acid with highly similar properties. This amino acid position is well conserved in available vertebrate species. In addition, the in silico prediction for this alteration is inconclusive. Since supporting evidence is limited at this time, the clinical significance of this alteration remains unclear.

All of Us Research Program, National Institutes of Health
Classification: Uncertain significance for Lynch syndrome. Last evaluated: 2024-05-17. Review status: criteria provided, single submitter. Criteria: ACMG Guidelines, 2015. Collection method: clinical testing. Allele origin: germline. Inheritance: Autosomal dominant inheritance. Observed: 4 variant alleles, 4 heterozygotes.
Comment: This missense variant replaces serine with asparagine at codon 274 of the MSH6 protein. Computational prediction suggests that this variant may not impact protein structure and function (internally defined REVEL score threshold <= 0.5, PMID: 27666373). To our knowledge, functional studies have not been reported for this variant. This variant has not been reported as a germline mutation in individuals affected with hereditary cancer in the literature. This variant has been identified in 4/251032 chromosomes in the general population by the Genome Aggregation Database (gnomAD). The available evidence is insufficient to determine the role of this variant in disease conclusively. Therefore, this variant is classified as a Variant of Uncertain Significance.

This study involves interpretation of variants in research participants for the purpose of population health screening. Participant phenotype was not available at the time of variant classification. Additional details can be found in publication PMID: 35346344, PMCID: PMC8962531

Baylor Genetics
Classification: Uncertain significance for Endometrial carcinoma. Last evaluated: 2024-02-16. Review status: criteria provided, single submitter. Criteria: ACMG Guidelines, 2015. Collection method: clinical testing. Allele origin: unknown.

Quest Diagnostics Nichols Institute San Juan Capistrano
Classification: Uncertain significance. Last evaluated: 2022-11-25. Review status: criteria provided, single submitter. Criteria: Quest Diagnostics criteria. Collection method: clinical testing. Allele origin: unknown.
Comment: The frequency of this variant in the general population, 0.00012 (4/34584 chromosomes), is uninformative in assessment of its pathogenicity. In the published literature, the variant has been reported as a somatic variant detected in a colorectal cancer tumor (PMID: 31104363 (2019)). Analysis of this variant using bioinformatics tools for the prediction of the effect of amino acid changes on protein structure and function yielded predictions that this variant is damaging. Based on the available information, we are unable to determine the clinical significance of this variant.

GeneDx
Classification: Uncertain significance. Last evaluated: 2014-02-25. Review status: criteria provided, single submitter. Criteria: GeneDx Variant Classification (06012015). Collection method: clinical testing. Allele origin: germline. Affected: yes.
Comment: This variant is denoted MSH6 c.821G>A at the cDNA level, p.Ser274Asn (S274N) at the protein level, and results in the change of a Serine to an Asparagine (AGC>AAC). This variant has not, to our knowledge, been published in the literature as pathogenic or benign. MSH6 Ser274Asn was not observed in approximately 6,500 individuals of European and African American ancestry in the NHLBI Exome Sequencing Project, indicating it is not a common benign variant in these populations. This variant is a conservative substitution of one neutral polar amino acid for another, altering a position that is well conserved throughout evolution and is not located within a known functional domain but does undergo phosphorylation (UniProt). Multiple in silico algorithms predict that this variant may be damaging to protein structure and function. Based on currently available information, it is unclear whether MSH6 Ser274Asn is pathogenic or benign. We consider it to be a variant of uncertain significance.

Literature cited by the submitters: PubMed 31104363 (cited by Quest Diagnostics Nichols Institute San Juan Capistrano).